The following is an entry in ClinVar:

NM_015072.5(TTLL5):c.2573C>T (p.Thr858Met)

Gene: TTLL5 (tubulin tyrosine ligase like 5; plus strand). Cytogenetic location: 14q24.3.
Variant type: single nucleotide variant.
Coding change: c.2573C>T on transcript NM_015072.5 (MANE Select); coding-DNA position 2573, C replaced by T.
Protein change: p.Thr858Met; replaces threonine 858 with methionine.
Molecular consequence: missense variant.
Genome position (GRCh38, 1-based): chr14:75,782,544, C>T. VCF-style: chr14-75782544-C-T. GRCh37 (hg19) VCF-style: chr14-76248887-C-T.
Other names: short protein forms T858M.
Identifiers: ClinVar variation 933885 (VCV000933885.10), dbSNP rs142328630, ClinGen allele CA7279751.
Genomic context (GRCh38, chr14:75,782,544, plus strand): 5'-CAGATCACCCTGAGACTATAATGGAAGAAGTGAAAATAAAGCCACCTAAACAGCAACAGA[C>T]GACAGAAATTCATTCTGATAAATTATCTCGTGAGTGATTTCAAACCTACCTAGATTTGCT-3'
Protein context (NP_055887.3, residues 848-868): VKIKPPKQQQ[Thr858Met]TEIHSDKLSR

ClinVar aggregate classification (germline): Uncertain significance. Review status: criteria provided, multiple submitters, no conflicts (2 of 4 stars). 2 submissions from 2 submitters: Uncertain significance (2). Last evaluated 2024-02-05.

Conditions:
Inborn genetic diseases. Identifiers: MedGen C0950123, MeSH D030342.

Allele frequency attached by ClinVar (database versions not stated): gnomAD exomes 0.00002 and 0.00003; ExAC 0.00003; gnomAD 0.00004 and 0.00005; TOPMed 0.00004; ESP Exome Variant Server 0.00015.
gnomAD v4.1: 41 of 1,613,660 alleles (0.0025%); highest among the groups gnomAD compares: Middle Eastern, 0.016%; no homozygotes.

Submissions (2):

Labcorp Genetics (formerly Invitae), Labcorp
Classification: Uncertain significance. Last evaluated: 2024-02-05. Review status: criteria provided, single submitter. Criteria: Invitae Variant Classification Sherloc (09022015). Collection method: clinical testing. Allele origin: germline.
Comment: This sequence change replaces threonine, which is neutral and polar, with methionine, which is neutral and non-polar, at codon 858 of the TTLL5 protein (p.Thr858Met). This variant is present in population databases (rs142328630, gnomAD 0.008%). This variant has not been reported in the literature in individuals affected with TTLL5-related conditions. ClinVar contains an entry for this variant (Variation ID: 933885). Advanced modeling of protein sequence and biophysical properties (such as structural, functional, and spatial information, amino acid conservation, physicochemical variation, residue mobility, and thermodynamic stability) performed at Invitae indicates that this missense variant is not expected to disrupt TTLL5 protein function with a negative predictive value of 80%. In summary, the available evidence is currently insufficient to determine the role of this variant in disease. Therefore, it has been classified as a Variant of Uncertain Significance.

Ambry Genetics
Classification: Uncertain significance for Inborn genetic diseases. Last evaluated: 2023-10-16. Review status: criteria provided, single submitter. Criteria: Ambry Variant Classification Scheme 2023. Collection method: clinical testing. Allele origin: germline.